The following is an entry in ClinVar:

ClinVar aggregate classification (germline): Uncertain significance (1 of 4 stars; one submission).

Submission:

Women's Health and Genetics/Laboratory Corporation of America, LabCorp
Classification: Uncertain significance. Last evaluated: 2023-06-26. Review status: criteria provided, single submitter. Criteria: LabCorp Variant Classification Summary - May 2015. Collection method: clinical testing. Allele origin: germline.
Comment: Variant summary: GBA c.469A>T (p.Ile157Phe) results in a non-conservative amino acid change located in the Glycosyl hydrolase family 30, TIM-barrel domain (IPR033453) of the encoded protein sequence. Three of five in-silico tools predict a damaging effect of the variant on protein function. The variant was absent in 251182 control chromosomes. The available data on variant occurrences in the general population are insufficient to allow any conclusion about variant significance. To our knowledge, no occurrence of c.469A>T in individuals affected with Gaucher Disease and no experimental evidence demonstrating its impact on protein function have been reported. No submitters have cited clinical-significance assessments for this variant to ClinVar after 2014. Based on the evidence outlined above, the variant was classified as uncertain significance.

NM_000157.4(GBA1):c.469A>T (p.Ile157Phe)

Genes: GBA1 (glucosylceramidase beta 1; minus strand), LOC106627981 (GBA recombination region; plus strand). Cytogenetic location: 1q22.
Variant type: single nucleotide variant.
Coding change: c.469A>T on transcript NM_000157.4 (MANE Select); coding-DNA position 469, A replaced by T.
Protein change: p.Ile157Phe; replaces isoleucine 157 with phenylalanine.
Molecular consequence: missense variant.
Genome position (GRCh38, 1-based): chr1:155,238,636, T>A on the plus strand (A>T on the coding strand, the complement: GBA1 is on the minus strand). VCF-style: chr1-155238636-T-A. GRCh37 (hg19) VCF-style: chr1-155208427-T-A.
Other names: c.469A>T, p.Ile157Phe (NM_001005741.3, NM_001005742.3); c.208A>T, p.Ile70Phe (NM_001171811.2); c.322A>T, p.Ile108Phe (NM_001171812.2); short protein forms I108F, I157F, I70F.
Identifiers: ClinVar variation 2573446 (VCV002573446.1), dbSNP rs2524839589, ClinGen allele CA342724835.